The following is an entry in ClinVar:

NC_000004.11:g.(?_8613754)_(8873340_?)del

Genes: CPZ (carboxypeptidase Z; plus strand), HMX1 (H6 family homeobox 1; minus strand). Cytogenetic location: 4p16.1.
Variant type: Deletion.
Identifiers: ClinVar variation 831637 (VCV000831637.2).

ClinVar aggregate classification (germline): Pathogenic (1 of 4 stars; one submission).

Submission:

Labcorp Genetics (formerly Invitae), Labcorp
Classification: Pathogenic. Last evaluated: 2022-08-22. Review status: criteria provided, single submitter. Criteria: Invitae Variant Classification Sherloc (09022015). Collection method: clinical testing. Allele origin: germline.
Comment: A gross deletion of the genomic region encompassing the full coding sequence of the HMX1 gene has been identified. Loss-of-function variants in HMX1 are known to be pathogenic (PMID: 18423520, 29140751, 19379485). The boundaries of this event are unknown as they extend beyond the assayed region for this gene and therefore may encompass additional genes. This variant has not been reported in the literature in individuals affected with HMX1-related conditions. For these reasons, this variant has been classified as Pathogenic.

Literature cited by the submitters: PubMed 18423520; PubMed 29140751; PubMed 19379485.